The following is an entry in ClinVar:

ClinVar aggregate classification (germline): Likely pathogenic. Review status: criteria provided, multiple submitters, no conflicts (2 of 4 stars). 4 submissions from 4 submitters: Likely pathogenic (3). 1 of the submissions does not count toward it. Last evaluated 2025-03-20.

Conditions:
GPIHBP1-related disorder. Also called: GPIHBP1-related condition.
Hyperlipoproteinemia, type 1D. Also called: Hyperlipoproteinemia, type ID. Identifiers: Orphanet 444490, Orphanet 535458, MedGen C4014767, MONDO:0014412, OMIM 615947.

Allele frequency attached by ClinVar (database versions not stated): ExAC 0.00001; gnomAD exomes 0.00001.

Submissions (4):

PreventionGenetics, part of Exact Sciences
Classification: Likely pathogenic for GPIHBP1-related condition. Last evaluated: 2025-03-20. Review status: criteria provided, single submitter. Criteria: ACMG Guidelines, 2015. Collection method: clinical testing. Allele origin: germline.
Comment: The GPIHBP1 c.320C>G variant is predicted to result in the amino acid substitution p.Ser107Cys. This variant has been reported in the homozygous state in an individual with chylomicronemia (Plengpanich et al. 2014. PubMed ID: 24847059). Functional studies showed that this variant altered the LPL binding of the GP1HBP1 protein (Plengpanich et al. 2014. PubMed ID: 24847059). This variant is reported in 0.0033% of alleles in individuals of South Asian descent in gnomAD. This variant is interpreted as likely pathogenic.

Kasturba Medical College, Manipal, Kasturba Medical College, Manipal, Manipal Academy of Higher Education, Manipal, India
Classification: Likely pathogenic for Hyperlipoproteinemia, type 1D. Review status: criteria provided, single submitter. Criteria: ACMG Guidelines, 2015. Collection method: clinical testing. Allele origin: biparental. Inheritance: Autosomal recessive inheritance. Affected: yes. Observed: 1 homozygote.

Neuberg Centre For Genomic Medicine, NCGM
Classification: Likely pathogenic for Hyperlipoproteinemia, type 1D. Review status: criteria provided, single submitter. Criteria: ACMG Guidelines, 2015. Collection method: clinical testing. Allele origin: germline. Inheritance: Autosomal recessive inheritance. Affected: yes.
Comment: The missense variant c.320C>G (p.Ser107Cys) in GPIHBP1 gene has previously been reported in homozygous state in patients affected with hypertriglyceridemia (Plengpanich W. et al.,2014). The p.Ser107Cys variant is novel (not in any individuals) in 1000 Genomes and allele frequency of 0.0008016% is reported in gnomAD. This variant has been reported to the ClinVar database as Pathogenic but no details are available for independent assessment. The amino acid Ser at position 107 is changed to a Cys changing protein sequence and it might alter its composition and physico-chemical properties. The amino acid change p.Ser107Cys in GPIHBP1 is predicted as conserved by GERP++. For these reasons, this variant has been classified as Likely Pathogenic.

OMIM
Classification: Pathogenic for HYPERLIPOPROTEINEMIA, TYPE ID. Last evaluated: 2014-07-11. Review status: no assertion criteria provided. Collection method: literature only. Allele origin: germline. Not counted in ClinVar's aggregate classification.

Literature cited by the submitters: Plengpanich, W., Young, S. G., Khovidhunkit, W., Bensadoun, A., Karnman, H., Ploug, M., Gardsvoll, H., Leung, C. S., Adeyo, O., Larsson, M., Muanpetch, S., Charoen, S., Fong, L. G., Niramitmahapanya, S., Beigneux, A. P. Multimerization of glycosylphosphatidylinositol-anchored high density lipoprotein-binding protein 1 (GPIHBP1) and familial chylomicronemia from a serine-to-cysteine substitution in GPIHBP1 Ly6 domain. J. Biol. Chem. 289: 19491-19499, 2014. (cited by OMIM); Hamosh, A. Personal Communication. 2014. Baltimore, Md. (cited by OMIM).

NM_178172.6(GPIHBP1):c.320C>G (p.Ser107Cys)

Gene: GPIHBP1 (glycosylphosphatidylinositol anchored high density lipoprotein binding protein 1; plus strand). Cytogenetic location: 8q24.3.
Variant type: single nucleotide variant.
Coding change: c.320C>G on transcript NM_178172.6 (MANE Select); coding-DNA position 320, C replaced by G.
Protein change: p.Ser107Cys; replaces serine 107 with cysteine.
Molecular consequence: missense variant.
Genome position (GRCh38, 1-based): chr8:143,215,283, C>G. VCF-style: chr8-143215283-C-G. GRCh37 (hg19) VCF-style: chr8-144297158-C-G.
Other names: c.320C>G, p.Ser107Cys (NM_001301772.2); short protein forms S107C.
Identifiers: ClinVar variation 144021 (VCV000144021.7), dbSNP rs587777643, ClinGen allele CA215037.